The following is an entry in ClinVar:

NM_207037.2(TCF12):c.1264T>C (p.Ser422Pro)

Gene: TCF12 (transcription factor 12; plus strand). Cytogenetic location: 15q21.3.
Variant type: single nucleotide variant.
Coding change: c.1264T>C on transcript NM_207037.2 (MANE Select); coding-DNA position 1264, T replaced by C.
Protein change: p.Ser422Pro; replaces serine 422 with proline.
Molecular consequence: missense variant.
Genome position (GRCh38, 1-based): chr15:57,253,265, T>C. VCF-style: chr15-57253265-T-C. GRCh37 (hg19) VCF-style: chr15-57545463-T-C.
Other names: c.754T>C, p.Ser252Pro (NM_001306219.3); c.484T>C, p.Ser162Pro (NM_001306220.3); c.1264T>C, p.Ser422Pro (NM_001322151.2, NM_001322152.2, NM_001322159.3 and 2 more transcripts); c.607T>C, p.Ser203Pro (NM_001322154.2); c.1090T>C, p.Ser364Pro (NM_001322156.2); c.1192T>C, p.Ser398Pro (NM_001322157.3, NM_001322165.2, NM_003205.4 and 1 more transcripts); c.1018T>C, p.Ser340Pro (NM_001322158.2); c.1261T>C, p.Ser421Pro (NM_001322161.2); and 2 more; short protein forms S162P, S203P, S228P, S252P, S340P, S364P, S398P, S410P.
Identifiers: ClinVar variation 3384434 (VCV003384434.1).

ClinVar aggregate classification (germline): Uncertain significance (1 of 4 stars; one submission).

Submission:

GeneDx
Classification: Uncertain significance. Last evaluated: 2024-06-04. Review status: criteria provided, single submitter. Criteria: GeneDx Variant Classification Process June 2021. Collection method: clinical testing. Allele origin: germline. Affected: yes.
Comment: Not observed at significant frequency in large population cohorts (gnomAD); In silico analysis supports that this missense variant has a deleterious effect on protein structure/function; Has not been previously published as pathogenic or benign to our knowledge